The following is an entry in ClinVar:

ClinVar aggregate classification (germline): Uncertain significance (1 of 4 stars; one submission).

Conditions:
Brachyolmia-amelogenesis imperfecta syndrome. Also called: PLATYSPONDYLY WITH AMELOGENESIS IMPERFECTA; Tooth agenesis, selective, 6; Dental anomalies and short stature. Identifiers: Orphanet 2899, MedGen C1832594, MONDO:0011018, OMIM 601216. Disease mechanism: loss of function.

Allele frequency attached by ClinVar (database versions not stated): TOPMed below 0.00001; gnomAD 0.00001.

Submission:

Labcorp Genetics (formerly Invitae), Labcorp
Classification: Uncertain significance for Brachyolmia-amelogenesis imperfecta syndrome. Last evaluated: 2022-08-01. Review status: criteria provided, single submitter. Criteria: Invitae Variant Classification Sherloc (09022015). Collection method: clinical testing. Allele origin: germline.
Comment: Algorithms developed to predict the effect of missense changes on protein structure and function output the following: SIFT: "Tolerated"; PolyPhen-2: "Benign"; Align-GVGD: "Class C0". The serine amino acid residue is found in multiple mammalian species, which suggests that this missense change does not adversely affect protein function. This sequence change replaces proline, which is neutral and non-polar, with serine, which is neutral and polar, at codon 689 of the LTBP3 protein (p.Pro689Ser). This variant is not present in population databases (gnomAD no frequency). This variant has not been reported in the literature in individuals affected with LTBP3-related conditions. In summary, the available evidence is currently insufficient to determine the role of this variant in disease. Therefore, it has been classified as a Variant of Uncertain Significance.

NM_001130144.3(LTBP3):c.2065C>T (p.Pro689Ser)

Gene: LTBP3 (latent transforming growth factor beta binding protein 3; minus strand). Cytogenetic location: 11q13.1.
Variant type: single nucleotide variant.
Coding change: c.2065C>T on transcript NM_001130144.3 (MANE Select); coding-DNA position 2065, C replaced by T.
Protein change: p.Pro689Ser; replaces proline 689 with serine.
Molecular consequence: missense variant.
Genome position (GRCh38, 1-based): chr11:65,547,481, G>A on the plus strand (C>T on the coding strand, the complement: LTBP3 is on the minus strand). VCF-style: chr11-65547481-G-A. GRCh37 (hg19) VCF-style: chr11-65314952-G-A.
Other names: c.1714C>T, p.Pro572Ser (NM_001164266.1); c.2065C>T, p.Pro689Ser (NM_021070.4); short protein forms P572S, P689S.
Identifiers: ClinVar variation 1999589 (VCV001999589.4), dbSNP rs1192217242, ClinGen allele CA381270874.
Genomic context (GRCh38, chr11:65,547,481, plus strand): 5'-TGAATGGGGTCCCCTCACCTTCGCACACAGGAGGCCGGGAGGCTTTGAGCCGGTAGCCGG[G>A]GTAGCAGTTGCACTTGTAGTGACCGGGAAAGTTGATGCAGAAGCCGCCGTCGCCGCACAG-3'
Protein context (NP_001123616.1, residues 679-699): FPGHYKCNCY[Pro689Ser]GYRLKASRPP